The following is an entry in ClinVar:

ClinVar aggregate classification (germline): Benign. Review status: criteria provided, multiple submitters, no conflicts (2 of 4 stars). 11 submissions from 10 submitters: Benign (10). 1 of the submissions does not count toward it. Last evaluated 2026-02-04.

Conditions:
Usher syndrome type 1 (USH1). Also called: RETINITIS PIGMENTOSA AND CONGENITAL DEAFNESS. Identifiers: Orphanet 231169, Orphanet 886, MedGen C1568247, MONDO:0010168, OMIM 276900.
Usher syndrome type 1F (USH1F). Also called: USHER SYNDROME, TYPE IF. Identifiers: Orphanet 231169, Orphanet 886, MedGen C1865885, MONDO:0011186, OMIM 602083.
Autosomal recessive nonsyndromic hearing loss 23. Identifiers: Orphanet 90636, MedGen C1836027, MONDO:0012293, OMIM 609533.

Allele frequency attached by ClinVar (database versions not stated): gnomAD exomes 0.09596 and 0.17547; 1000 Genomes Project 0.28375; ESP Exome Variant Server 0.08959; gnomAD 0.13541 and 0.12444; ExAC 0.17130; 1000 Genomes Project 30x 0.27467; TOPMed 0.15204.
gnomAD v4.1: 162,206 of 1,613,698 alleles (10%); highest among the groups gnomAD compares: East Asian, 77%; 23,092 homozygotes.

Submissions (11):

Labcorp Genetics (formerly Invitae), Labcorp
Classification: Benign. Last evaluated: 2026-02-04. Review status: criteria provided, single submitter. Criteria: Invitae Variant Classification Sherloc (09022015). Collection method: clinical testing. Allele origin: germline.

Blueprint Genetics
Classification: Benign. Last evaluated: 2024-11-27. Review status: criteria provided, single submitter. Criteria: ACMG Guidelines, 2015. Collection method: clinical testing. Allele origin: germline.

Genome-Nilou Lab
Classification: Benign for Autosomal recessive nonsyndromic hearing loss 23. Last evaluated: 2021-09-05. Review status: criteria provided, single submitter. Criteria: ACMG Guidelines, 2015. Collection method: clinical testing. Allele origin: germline. Affected: no.

Genome-Nilou Lab
Classification: Benign for Usher syndrome type 1F. Last evaluated: 2021-07-01. Review status: criteria provided, single submitter. Criteria: ACMG Guidelines, 2015. Collection method: clinical testing. Allele origin: germline. Affected: no.

Mayo Clinic Laboratories, Mayo Clinic
Classification: Benign. Last evaluated: 2020-10-20. Review status: criteria provided, single submitter. Criteria: ACMG Guidelines, 2015. Collection method: clinical testing. Allele origin: germline. Observed: 39 variant alleles.

Illumina Laboratory Services, Illumina
Classification: Benign for Usher syndrome type 1. Last evaluated: 2018-01-13. Review status: criteria provided, single submitter. Criteria: ICSL Variant Classification Criteria 13 December 2019. Collection method: clinical testing. Allele origin: germline.
Comment: This variant was observed in the ICSL laboratory as part of a predisposition screen in an ostensibly healthy population. It had not been previously curated by ICSL or reported in the Human Gene Mutation Database (HGMD: prior to June 1st, 2018), and was therefore a candidate for classification through an automated scoring system. Utilizing variant allele frequency, disease prevalence and penetrance estimates, and inheritance mode, an automated score was calculated to assess if this variant is too frequent to cause the disease. Based on the score and internal cut-off values, a variant classified as benign is not then subjected to further curation. The score for this variant resulted in a classification of benign for this disease.

GeneDx
Classification: Benign. Last evaluated: 2015-03-03. Review status: criteria provided, single submitter. Criteria: GeneDx Variant Classification Process June 2021. Collection method: clinical testing. Allele origin: germline. Affected: yes.

Eurofins Ntd Llc (ga)
Classification: Benign. Last evaluated: 2014-01-30. Review status: criteria provided, single submitter. Criteria: EGL Classification Definitions 2015. Collection method: clinical testing. Allele origin: germline. Observed: 2 variant alleles, 2 heterozygotes.

Laboratory for Molecular Medicine, Mass General Brigham Personalized Medicine
Classification: Benign. Last evaluated: 2009-06-23. Review status: criteria provided, single submitter. Criteria: LMM Criteria. Collection method: clinical testing. Allele origin: germline. Observed: 406 variant alleles.

Breakthrough Genomics
Classification: Benign. Review status: criteria provided, single submitter. Criteria: ACMG Guidelines, 2015. Collection method: not provided. Allele origin: germline. Inheritance: Autosomal recessive inheritance. Affected: yes.

Natera, Inc.
Classification: Benign for Usher syndrome type 1F. Last evaluated: 2020-09-16. Review status: no assertion criteria provided. Collection method: clinical testing. Allele origin: germline. Not counted in ClinVar's aggregate classification.

NM_033056.4(PCDH15):c.4581C>A (p.Pro1527=)

Gene: PCDH15 (protocadherin related 15; minus strand). Cytogenetic location: 10q21.1.
Variant type: single nucleotide variant.
Coding change: c.4581C>A on transcript NM_033056.4 (MANE Plus Clinical); coding-DNA position 4581, C replaced by A.
Protein change: p.Pro1527=; no amino-acid change (proline 1527 retained).
Molecular consequence: synonymous variant. On other transcripts: intron variant (8).
Genome position (GRCh38, 1-based): chr10:53,823,145, G>T on the plus strand (C>A on the coding strand, the complement: PCDH15 is on the minus strand). VCF-style: chr10-53823145-G-T. GRCh37 (hg19) VCF-style: chr10-55582905-G-T.
Other names: p.Pro1527=; c.4367+4248C>A (NM_001354420.2, NM_001354429.2); c.4368-2915C>A (NM_001384140.1); c.4373+1991C>A (NM_001142772.2, NM_001142770.3); c.4388+1991C>A (NM_001142771.2); c.4388+4248C>A (NM_001354411.2); c.4409+1991C>A (NM_001142769.3); c.4515C>A, p.Pro1505= (NM_001354404.2); and 7 more.
Identifiers: ClinVar variation 46482 (VCV000046482.29), dbSNP rs10825114, ClinGen allele CA138438.
Genomic context (GRCh38, chr10:53,823,145, plus strand): 5'-ATCTGTTCTCTGTGAAATGTCTGAATTTGTTGATACTTGACTTATGTTTTCCTTATAAAG[G>T]GGATTATGGGCACTTAAGTCATCCTCATCAGATAGAAATGTGAATTTTCTTGCAGACTTC-3'
Protein context (NP_149045.3, residues 1517-1537): SDEDDLSAHN[Pro1527=]LYKENISQVS